The following is an entry in ClinVar:

NM_006922.4(SCN3A):c.3350C>T (p.Thr1117Ile)

Gene: SCN3A (sodium voltage-gated channel alpha subunit 3; minus strand). Cytogenetic location: 2q24.3.
Variant type: single nucleotide variant.
Coding change: c.3350C>T on transcript NM_006922.4 (MANE Select); coding-DNA position 3350, C replaced by T.
Protein change: p.Thr1117Ile; replaces threonine 1117 with isoleucine.
Molecular consequence: missense variant.
Genome position (GRCh38, 1-based): chr2:165,127,674, G>A on the plus strand (C>T on the coding strand, the complement: SCN3A is on the minus strand). VCF-style: chr2-165127674-G-A. GRCh37 (hg19) VCF-style: chr2-165984184-G-A.
Other names: c.3203C>T, p.Thr1068Ile (NM_001081676.2, NM_001081677.2); short protein forms T1068I, T1117I.
Identifiers: ClinVar variation 3718251 (VCV003718251.2).
Genomic context (GRCh38, chr2:165,127,674, plus strand): 5'-TTTAAAAGCATTCTTACCTCTTTGCTTTCTTCTAGTTCTGACTCACTGCTGAACTCTTCA[G>A]TATTTAAGTTTTCAAAGTCAGACTCTCCAACAGCAATTGGCACTGTGACGGTGAGGCTGG-3'
Protein context (NP_008853.3, residues 1107-1127): VGESDFENLN[Thr1117Ile]EEFSSESELE

ClinVar aggregate classification (germline): Uncertain significance (1 of 4 stars; one submission).

Submission:

Labcorp Genetics (formerly Invitae), Labcorp
Classification: Uncertain significance. Last evaluated: 2024-11-03. Review status: criteria provided, single submitter. Criteria: Invitae Variant Classification Sherloc (09022015). Collection method: clinical testing. Allele origin: germline.
Comment: This sequence change replaces threonine, which is neutral and polar, with isoleucine, which is neutral and non-polar, at codon 1117 of the SCN3A protein (p.Thr1117Ile). This variant is not present in population databases (gnomAD no frequency). This variant has not been reported in the literature in individuals affected with SCN3A-related conditions. Invitae Evidence Modeling of protein sequence and biophysical properties (such as structural, functional, and spatial information, amino acid conservation, physicochemical variation, residue mobility, and thermodynamic stability) indicates that this missense variant is not expected to disrupt SCN3A protein function with a negative predictive value of 95%. In summary, the available evidence is currently insufficient to determine the role of this variant in disease. Therefore, it has been classified as a Variant of Uncertain Significance.